The following is an entry in ClinVar:

NM_001111125.3(IQSEC2):c.1300G>A (p.Gly434Ser)

Gene: IQSEC2 (IQ motif and Sec7 domain ArfGEF 2; minus strand). Cytogenetic location: Xp11.22.
Variant type: single nucleotide variant.
Coding change: c.1300G>A on transcript NM_001111125.3 (MANE Select); coding-DNA position 1300, G replaced by A.
Protein change: p.Gly434Ser; replaces glycine 434 with serine.
Molecular consequence: missense variant.
Genome position (GRCh38, 1-based): chrX:53,254,631, C>T on the plus strand (G>A on the coding strand, the complement: IQSEC2 is on the minus strand). VCF-style: chrX-53254631-C-T. GRCh37 (hg19) VCF-style: chrX-53283813-C-T.
Other names: c.1300G>A, p.Gly434Ser (NM_001410736.1, NM_001441092.1); c.802G>A, p.Gly268Ser (NM_001441093.1); c.589G>A, p.Gly197Ser (NM_001441094.1, NM_001441095.1); c.685G>A, p.Gly229Ser (NM_015075.2); short protein forms G197S, G229S, G268S, G434S.
Identifiers: ClinVar variation 4801023 (VCV004801023.1).

ClinVar aggregate classification (germline): Uncertain significance (1 of 4 stars; one submission).

Conditions:
Intellectual developmental disorder, X-linked 1. Also called: Atkin Flaitz Patil Smith syndrome; MENTAL RETARDATION, X-LINKED 18; MENTAL RETARDATION, X-LINKED 78; Intellectual disability, X-linked 1. Identifiers: Orphanet 777, MedGen C2931498, MONDO:0010656, OMIM 309530.

Submission:

Labcorp Genetics (formerly Invitae), Labcorp
Classification: Uncertain significance for Intellectual developmental disorder, X-linked 1. Last evaluated: 2025-05-15. Review status: criteria provided, single submitter. Criteria: Invitae Variant Classification Sherloc (09022015). Collection method: clinical testing. Allele origin: germline.
Comment: This sequence change replaces glycine, which is neutral and non-polar, with serine, which is neutral and polar, at codon 434 of the IQSEC2 protein (p.Gly434Ser). This variant is not present in population databases (gnomAD no frequency). This variant has not been reported in the literature in individuals affected with IQSEC2-related conditions. Invitae Evidence Modeling of protein sequence and biophysical properties (such as structural, functional, and spatial information, amino acid conservation, physicochemical variation, residue mobility, and thermodynamic stability) indicates that this missense variant is not expected to disrupt IQSEC2 protein function with a negative predictive value of 95%. In summary, the available evidence is currently insufficient to determine the role of this variant in disease. Therefore, it has been classified as a Variant of Uncertain Significance.